The following is an entry in ClinVar:

NM_000361.3(THBD):c.620T>C (p.Leu207Pro)

Gene: THBD (thrombomodulin; minus strand). Cytogenetic location: 20p11.21.
Variant type: single nucleotide variant.
Coding change: c.620T>C on transcript NM_000361.3 (MANE Select); coding-DNA position 620, T replaced by C.
Protein change: p.Leu207Pro; replaces leucine 207 with proline.
Molecular consequence: missense variant.
Genome position (GRCh38, 1-based): chr20:23,048,885, A>G on the plus strand (T>C on the coding strand, the complement: THBD is on the minus strand). VCF-style: chr20-23048885-A-G. GRCh37 (hg19) VCF-style: chr20-23029522-A-G.
Other names: short protein forms L207P.
Identifiers: ClinVar variation 2971470 (VCV002971470.3), dbSNP rs1471209842, ClinGen allele CA408407300.
Genomic context (GRCh38, chr20:23,048,885, plus strand): 5'-GGCGCGGTGCACATTAGCTGTAAGCCGAGGGGAGCCACCGCGGCGGAGCTGCCCACCGGC[A>G]GCGCCTGGAAGTCCGCTCCGCGGGCCGCGAACGGGGTGCCGTAGGTGATCGAGACGGCGG-3'
Protein context (NP_000352.1, residues 197-217): FAARGADFQA[Leu207Pro]PVGSSAAVAP

ClinVar aggregate classification (germline): Uncertain significance (1 of 4 stars; one submission).

Allele frequency attached by ClinVar (database versions not stated): gnomAD 0.00003; TOPMed 0.00005.

Submission:

Labcorp Genetics (formerly Invitae), Labcorp
Classification: Uncertain significance. Last evaluated: 2023-03-15. Review status: criteria provided, single submitter. Criteria: Invitae Variant Classification Sherloc (09022015). Collection method: clinical testing. Allele origin: germline.
Comment: Advanced modeling of protein sequence and biophysical properties (such as structural, functional, and spatial information, amino acid conservation, physicochemical variation, residue mobility, and thermodynamic stability) performed at Invitae indicates that this missense variant is expected to disrupt THBD protein function. This variant has not been reported in the literature in individuals affected with THBD-related conditions. This variant is not present in population databases (gnomAD no frequency). This sequence change replaces leucine, which is neutral and non-polar, with proline, which is neutral and non-polar, at codon 207 of the THBD protein (p.Leu207Pro). In summary, the available evidence is currently insufficient to determine the role of this variant in disease. Therefore, it has been classified as a Variant of Uncertain Significance.